The following is an entry in ClinVar:

NM_002250.3(KCNN4):c.160-7dup

Gene: KCNN4 (potassium calcium-activated channel subfamily N member 4; minus strand). Cytogenetic location: 19q13.31.
Variant type: Duplication.
Coding change: c.160-7dup on transcript NM_002250.3 (MANE Select); 7 bases into the intron before coding-DNA position 160, one base duplicated (C; older notation c.160-7dupC).
Molecular consequence: intron variant.
Genome position (GRCh38, 1-based): chr19:43,776,643, G duplicated on the plus strand (C on the coding strand, the reverse complement: KCNN4 is on the minus strand); the first of 6 consecutive G bases (chr19:43,776,643-43,776,648); duplicating any one gives the same sequence. VCF-style (leftmost placement, unchanged base first): chr19-43776642-A-AG. GRCh37 (hg19) VCF-style: chr19-44280794-A-AG.
Identifiers: ClinVar variation 3045555 (VCV003045555.2), dbSNP rs765201239, ClinGen allele CA633277410.

ClinVar aggregate classification (germline): Likely benign (0 of 4 stars; one submission).

Conditions:
KCNN4-related disorder. Also called: KCNN4-related condition.

Submission:

PreventionGenetics, part of Exact Sciences
Classification: Likely benign for KCNN4-related condition. Last evaluated: 2023-03-14. Review status: no assertion criteria provided. Collection method: clinical testing. Allele origin: germline.
Comment: This variant is classified as likely benign based on ACMG/AMP sequence variant interpretation guidelines (Richards et al. 2015 PMID: 25741868, with internal and published modifications).